The following is an entry in ClinVar:

ClinVar aggregate classification (germline): Uncertain significance. Review status: criteria provided, multiple submitters, no conflicts (2 of 4 stars). 2 submissions from 2 submitters: Uncertain significance (2). Last evaluated 2024-09-30.

Conditions:
Inborn genetic diseases. Identifiers: MedGen C0950123, MeSH D030342.

Allele frequency attached by ClinVar (database versions not stated): TOPMed below 0.00001; gnomAD 0.00001; gnomAD exomes 0.00003 and 0.00004; ExAC 0.00007.
gnomAD v4.1: 52 of 1,613,162 alleles (0.0032%); highest among the groups gnomAD compares: South Asian, 0.047%; 2 homozygotes.

Submissions (2):

Ambry Genetics
Classification: Uncertain significance for Inborn genetic diseases. Last evaluated: 2024-09-30. Review status: criteria provided, single submitter. Criteria: Ambry Variant Classification Scheme 2023. Collection method: clinical testing. Allele origin: germline.

Labcorp Genetics (formerly Invitae), Labcorp
Classification: Uncertain significance. Last evaluated: 2022-03-08. Review status: criteria provided, single submitter. Criteria: Invitae Variant Classification Sherloc (09022015). Collection method: clinical testing. Allele origin: germline.
Comment: In summary, the available evidence is currently insufficient to determine the role of this variant in disease. Therefore, it has been classified as a Variant of Uncertain Significance. Algorithms developed to predict the effect of missense changes on protein structure and function are either unavailable or do not agree on the potential impact of this missense change (SIFT: "Tolerated"; PolyPhen-2: "Probably Damaging"; Align-GVGD: "Class C0"). This variant has not been reported in the literature in individuals affected with ANXA11-related conditions. This variant is present in population databases (rs767049795, gnomAD 0.04%). This sequence change replaces alanine, which is neutral and non-polar, with threonine, which is neutral and polar, at codon 361 of the ANXA11 protein (p.Ala361Thr).

NM_145868.2(ANXA11):c.1081G>A (p.Ala361Thr)

Gene: ANXA11 (annexin A11; minus strand). Cytogenetic location: 10q22.3.
Variant type: single nucleotide variant.
Coding change: c.1081G>A on transcript NM_145868.2 (MANE Select); coding-DNA position 1081, G replaced by A.
Protein change: p.Ala361Thr; replaces alanine 361 with threonine.
Molecular consequence: missense variant.
Genome position (GRCh38, 1-based): chr10:80,163,354, C>T on the plus strand (G>A on the coding strand, the complement: ANXA11 is on the minus strand). VCF-style: chr10-80163354-C-T. GRCh37 (hg19) VCF-style: chr10-81923110-C-T.
Other names: c.1081G>A, p.Ala361Thr (NM_001157.3, NM_001278407.2, NM_001278408.2 and 1 more transcripts); c.982G>A, p.Ala328Thr (NM_001278409.2); c.1081G>A (NM_001157.2); short protein forms A328T, A361T.
Identifiers: ClinVar variation 1362574 (VCV001362574.9), dbSNP rs767049795, ClinGen allele CA5575947.